The following is an entry in ClinVar:

NM_130384.3(ATRIP):c.698T>C (p.Ile233Thr)

Genes: ATRIP (ATR interacting protein; plus strand), ATRIP-TREX1 (ATRIP-TREX1 readthrough; plus strand). Cytogenetic location: 3p21.31.
Variant type: single nucleotide variant.
Coding change: c.698T>C on transcript NM_130384.3 (MANE Select); coding-DNA position 698, T replaced by C.
Protein change: p.Ile233Thr; replaces isoleucine 233 with threonine.
Molecular consequence: missense variant. On other transcripts: non-coding transcript variant (1).
Genome position (GRCh38, 1-based): chr3:48,457,285, T>C. VCF-style: chr3-48457285-T-C. GRCh37 (hg19) VCF-style: chr3-48498685-T-C.
Other names: c.317T>C, p.Ile106Thr (NM_001271022.2); c.419T>C, p.Ile140Thr (NM_001271023.2); c.698T>C, p.Ile233Thr (NM_032166.4); short protein forms I140T, I106T, I233T.
Identifiers: ClinVar variation 4644566 (VCV004644566.1).

ClinVar aggregate classification (germline): Uncertain significance (1 of 4 stars; one submission).

Submission:

Ambry Genetics
Classification: Uncertain significance. Last evaluated: 2025-10-30. Review status: criteria provided, single submitter. Criteria: Ambry Variant Classification Scheme 2023. Collection method: clinical testing. Allele origin: germline.
Comment: The p.I233T variant (also known as c.698T>C), located in coding exon 5 of the ATRIP gene, results from a T to C substitution at nucleotide position 698. The isoleucine at codon 233 is replaced by threonine, an amino acid with similar properties. This amino acid position is conserved. In addition, this alteration is predicted to be tolerated by in silico analysis. Based on the available evidence, the clinical significance of this variant remains unclear.